The following is an entry in ClinVar:

NM_001303256.3(MORC2):c.1626G>T (p.Lys542Asn)

Gene: MORC2 (MORC family CW-type zinc finger 2; minus strand). Cytogenetic location: 22q12.2.
Variant type: single nucleotide variant.
Coding change: c.1626G>T on transcript NM_001303256.3 (MANE Select); coding-DNA position 1626, G replaced by T.
Protein change: p.Lys542Asn; replaces lysine 542 with asparagine.
Molecular consequence: missense variant.
Genome position (GRCh38, 1-based): chr22:30,936,622, C>A on the plus strand (G>T on the coding strand, the complement: MORC2 is on the minus strand). VCF-style: chr22-30936622-C-A. GRCh37 (hg19) VCF-style: chr22-31332609-C-A.
Other names: c.1626G>T, p.Lys542Asn (NM_001303257.2); c.1440G>T, p.Lys480Asn (NM_014941.3); short protein forms K480N, K542N.
Identifiers: ClinVar variation 1010599 (VCV001010599.7), dbSNP rs2040655936, ClinGen allele CA411237327.
Genomic context (GRCh38, chr22:30,936,622, plus strand): 5'-TTTCTGCTTCTCTTCCTGCGTCTTCATGTCCTTTCTGAATGTTCCCAGGGGAACCTTCTG[C>A]TTTTGTTCAGAAGCCTCACACCTGTAGAGACAAGGTACTACAGAGGTCGTGGCAAACAGA-3'
Protein context (NP_001290185.1, residues 532-552): EQDRCEASEQ[Lys542Asn]QKVPLGTFRK

ClinVar aggregate classification (germline): Uncertain significance (1 of 4 stars; one submission).

Conditions:
Charcot-Marie-Tooth disease axonal type 2Z. Also called: CHARCOT-MARIE-TOOTH DISEASE, AXONAL, AUTOSOMAL DOMINANT, TYPE 2Z; CHARCOT-MARIE-TOOTH NEUROPATHY, TYPE 2Z. Identifiers: Orphanet 466768, MedGen C5569025, MONDO:0014736, OMIM 616688.

Allele frequency attached by ClinVar (database versions not stated): gnomAD exomes below 0.00001; TOPMed 0.00001.
gnomAD v4.1: 4 of 1,614,142 alleles (0.00025%); highest among the groups gnomAD compares: Non-Finnish European, 0.00034%; no homozygotes.

Submission:

Labcorp Genetics (formerly Invitae), Labcorp
Classification: Uncertain significance for Charcot-Marie-Tooth disease axonal type 2Z. Last evaluated: 2025-09-10. Review status: criteria provided, single submitter. Criteria: Invitae Variant Classification Sherloc (09022015). Collection method: clinical testing. Allele origin: germline.
Comment: This sequence change replaces lysine, which is basic and polar, with asparagine, which is neutral and polar, at codon 542 of the MORC2 protein (p.Lys542Asn). This variant is not present in population databases (gnomAD no frequency). This missense change has been observed in individual(s) with clinical features of Charcot-Marie-Tooth disease (internal data). ClinVar contains an entry for this variant (Variation ID: 1010599). Invitae Evidence Modeling of protein sequence and biophysical properties (such as structural, functional, and spatial information, amino acid conservation, physicochemical variation, residue mobility, and thermodynamic stability) indicates that this missense variant is expected to disrupt MORC2 protein function with a positive predictive value of 95%. In summary, the available evidence is currently insufficient to determine the role of this variant in disease. Therefore, it has been classified as a Variant of Uncertain Significance.